The following is an entry in ClinVar:

NM_002471.4(MYH6):c.4137G>A (p.Thr1379=)

Gene: MYH6 (myosin heavy chain 6; minus strand). Cytogenetic location: 14q11.2.
Variant type: single nucleotide variant.
Coding change: c.4137G>A on transcript NM_002471.4 (MANE Select); coding-DNA position 4137, G replaced by A.
Protein change: p.Thr1379=; no amino-acid change (threonine 1379 retained).
Molecular consequence: synonymous variant.
Genome position (GRCh38, 1-based): chr14:23,388,897, C>T on the plus strand (G>A on the coding strand, the complement: MYH6 is on the minus strand). VCF-style: chr14-23388897-C-T. GRCh37 (hg19) VCF-style: chr14-23858106-C-T.
Identifiers: ClinVar variation 227589 (VCV000227589.49), dbSNP rs372158844, ClinGen allele CA7114921.

ClinVar aggregate classification (germline): Likely benign. Review status: criteria provided, multiple submitters, no conflicts (2 of 4 stars). 11 submissions from 11 submitters: Likely benign (6). 5 of the submissions do not count toward it. Last evaluated 2026-06-01.

Conditions:
MYH6-related disorder. Also called: MYH6-Related Disorders; MYH6-related condition.
Cardiovascular phenotype. Identifiers: MedGen CN230736.
Hypertrophic cardiomyopathy 14. Identifiers: MedGen C2750467, MONDO:0013197, OMIM 613251.

Allele frequency attached by ClinVar (database versions not stated): ESP Exome Variant Server 0.00008; gnomAD exomes 0.00012; ExAC 0.00015; TOPMed 0.00015; gnomAD 0.00022.
gnomAD v4.1: 236 of 1,613,790 alleles (0.015%); highest among the groups gnomAD compares: Middle Eastern, 0.18%; 1 homozygote.

Submissions (11):

CeGaT Center for Human Genetics Tuebingen
Classification: Likely benign. Last evaluated: 2026-06-01. Review status: criteria provided, single submitter. Criteria: CeGaT Center For Human Genetics Tuebingen Variant Classification Criteria Version 2. Collection method: clinical testing. Allele origin: germline. Affected: yes. Observed: 3 variant alleles.
Comment: MYH6: BP4, BP7

Labcorp Genetics (formerly Invitae), Labcorp
Classification: Likely benign for Hypertrophic cardiomyopathy 14. Last evaluated: 2026-01-12. Review status: criteria provided, single submitter. Criteria: Invitae Variant Classification Sherloc (09022015). Collection method: clinical testing. Allele origin: germline.

Blueprint Genetics
Classification: Likely benign. Last evaluated: 2024-10-28. Review status: criteria provided, single submitter. Criteria: ACMG Guidelines, 2015. Collection method: clinical testing. Allele origin: germline.

GeneDx
Classification: Likely benign. Last evaluated: 2019-12-10. Review status: criteria provided, single submitter. Criteria: GeneDx Variant Classification Process June 2021. Collection method: clinical testing. Allele origin: germline. Affected: yes.

Ambry Genetics
Classification: Likely benign for Cardiovascular phenotype. Last evaluated: 2017-02-01. Review status: criteria provided, single submitter. Criteria: Ambry Variant Classification Scheme 2023. Collection method: clinical testing. Allele origin: germline.

Laboratory for Molecular Medicine, Mass General Brigham Personalized Medicine
Classification: Likely benign. Last evaluated: 2016-02-19. Review status: criteria provided, single submitter. Criteria: LMM Criteria. Collection method: clinical testing. Allele origin: germline. Observed: 1 variant allele.
Comment: p.Thr1379Thr in exon 29 of MYH6: This variant is not expected to have clinical s ignificance because it does not alter an amino acid residue and is not located w ithin the splice consensus sequence. It has been identified in 13/66716 Europea n chromosomes by the Exome Aggregation Consortium (ExAC; dbSNP rs372158844).

PreventionGenetics, part of Exact Sciences
Classification: Likely benign for MYH6-related condition. Last evaluated: 2019-05-01. Review status: no assertion criteria provided. Collection method: clinical testing. Allele origin: germline. Not counted in ClinVar's aggregate classification.
Comment: This variant is classified as likely benign based on ACMG/AMP sequence variant interpretation guidelines (Richards et al. 2015 PMID: 25741868, with internal and published modifications).

Clinical Genetics DNA and cytogenetics Diagnostics Lab, Erasmus MC, Erasmus Medical Center
Classification: Likely benign. Review status: no assertion criteria provided. Collection method: clinical testing. Allele origin: germline. Affected: yes. Study: VKGL Data-share Consensus. Not counted in ClinVar's aggregate classification.

Clinical Genetics, Academic Medical Center
Classification: Benign. Review status: no assertion criteria provided. Collection method: clinical testing. Allele origin: germline. Affected: yes. Study: VKGL Data-share Consensus. Not counted in ClinVar's aggregate classification.

Diagnostic Laboratory, Department of Genetics, University Medical Center Groningen
Classification: Likely benign. Review status: no assertion criteria provided. Collection method: clinical testing. Allele origin: germline. Affected: yes. Study: VKGL Data-share Consensus. Not counted in ClinVar's aggregate classification.

Genome Diagnostics Laboratory, University Medical Center Utrecht
Classification: Likely benign. Review status: no assertion criteria provided. Collection method: clinical testing. Allele origin: germline. Affected: yes. Study: VKGL Data-share Consensus. Not counted in ClinVar's aggregate classification.